The following is an entry in ClinVar:

NM_000180.4(GUCY2D):c.595C>A (p.Arg199Ser)

Gene: GUCY2D (guanylate cyclase 2D, retinal; plus strand). Cytogenetic location: 17p13.1.
Variant type: single nucleotide variant.
Coding change: c.595C>A on transcript NM_000180.4 (MANE Select); coding-DNA position 595, C replaced by A.
Protein change: p.Arg199Ser; replaces arginine 199 with serine.
Molecular consequence: missense variant.
Genome position (GRCh38, 1-based): chr17:8,003,642, C>A. VCF-style: chr17-8003642-C-A. GRCh37 (hg19) VCF-style: chr17-7906960-C-A.
Other names: short protein forms R199S.
Identifiers: ClinVar variation 969003 (VCV000969003.11), dbSNP rs917296356, ClinGen allele CA287523361.
Genomic context (GRCh38, chr17:8,003,642, plus strand): 5'-TTCGGCTGGGCGCGCGTGGCCCTGGTCACCGCCCCCCAGGACCTGTGGGTGGAGGCGGGA[C>A]GCTCACTGTCCACGGCACTCAGGGCCCGGGGCCTGCCTGTCGCCTCCGTGACTTCCATGG-3'
Protein context (NP_000171.1, residues 189-209): APQDLWVEAG[Arg199Ser]SLSTALRARG

ClinVar aggregate classification (germline): Uncertain significance. Review status: criteria provided, multiple submitters, no conflicts (2 of 4 stars). 3 submissions from 3 submitters: Uncertain significance (3). Last evaluated 2026-09-10.

Conditions:
Cone-rod dystrophy 6 (CORD6). Also called: RETINAL CONE DYSTROPHY 2; Cone dystrophy progressive. Identifiers: Orphanet 1872, MedGen C1866293, MONDO:0011143, OMIM 601777.
Leber congenital amaurosis 1 (LCA1). Also called: RETINAL BLINDNESS, CONGENITAL; Congenital absence of the rods and cones; Leber's congenital tapetoretinal degeneration; Leber's congenital tapetoretinal dysplasia; AMAUROSIS CONGENITA OF LEBER I. Identifiers: Orphanet 65, MedGen C2931258, MONDO:0008764, OMIM 204000.
Inborn genetic diseases. Identifiers: MedGen C0950123, MeSH D030342.

Allele frequency attached by ClinVar (database versions not stated): gnomAD 0.00003 and 0.00004; TOPMed 0.00005.
gnomAD v4.1: 7 of 1,593,690 alleles (0.00044%); highest among the groups gnomAD compares: African/African-American, 0.0094%; no homozygotes.

Submissions (3):

Ambry Genetics
Classification: Uncertain significance for Inborn genetic diseases. Last evaluated: 2026-09-10. Review status: criteria provided, single submitter. Criteria: Ambry Variant Classification Scheme 2023. Collection method: clinical testing. Allele origin: germline.

Labcorp Genetics (formerly Invitae), Labcorp
Classification: Uncertain significance for Leber congenital amaurosis 1; Cone-rod dystrophy 6. Last evaluated: 2025-07-02. Review status: criteria provided, single submitter. Criteria: Invitae Variant Classification Sherloc (09022015). Collection method: clinical testing. Allele origin: germline.
Comment: This sequence change replaces arginine, which is basic and polar, with serine, which is neutral and polar, at codon 199 of the GUCY2D protein (p.Arg199Ser). This variant is present in population databases (no rsID available, gnomAD 0.02%). This variant has not been reported in the literature in individuals affected with GUCY2D-related conditions. ClinVar contains an entry for this variant (Variation ID: 969003). Invitae Evidence Modeling of protein sequence and biophysical properties (such as structural, functional, and spatial information, amino acid conservation, physicochemical variation, residue mobility, and thermodynamic stability) indicates that this missense variant is not expected to disrupt GUCY2D protein function with a negative predictive value of 80%. In summary, the available evidence is currently insufficient to determine the role of this variant in disease. Therefore, it has been classified as a Variant of Uncertain Significance.

Blueprint Genetics
Classification: Uncertain significance. Last evaluated: 2022-03-24. Review status: criteria provided, single submitter. Criteria: ACMG Guidelines, 2015. Collection method: clinical testing. Allele origin: germline.